The following is an entry in ClinVar:

NM_015046.7(SETX):c.399T>C (p.Cys133=)

Gene: SETX (senataxin; minus strand). Cytogenetic location: 9q34.13.
Variant type: single nucleotide variant.
Coding change: c.399T>C on transcript NM_015046.7 (MANE Select); coding-DNA position 399, T replaced by C.
Protein change: p.Cys133=; no amino-acid change (cysteine 133 retained).
Molecular consequence: synonymous variant.
Genome position (GRCh38, 1-based): chr9:132,342,789, A>G on the plus strand (T>C on the coding strand, the complement: SETX is on the minus strand). VCF-style: chr9-132342789-A-G. GRCh37 (hg19) VCF-style: chr9-135218176-A-G.
Other names: c.399T>C, p.Cys133= (NM_001351527.2, NM_001351528.2).
Identifiers: ClinVar variation 790802 (VCV000790802.31), dbSNP rs779515782, ClinGen allele CA5298044.

ClinVar aggregate classification (germline): Likely benign. Review status: criteria provided, multiple submitters, no conflicts (2 of 4 stars). 3 submissions from 3 submitters: Likely benign (3). Last evaluated 2025-04-22.

Conditions:
Amyotrophic lateral sclerosis type 4 (ALS4). Also called: NEURONOPATHY, DISTAL HEREDITARY MOTOR, WITH PYRAMIDAL FEATURES; AMYOTROPHIC LATERAL SCLEROSIS 4, JUVENILE. Identifiers: Orphanet 357043, MedGen C1865409, MONDO:0011223, OMIM 602433.
Spinocerebellar ataxia, autosomal recessive, with axonal neuropathy 2 (SCAN2). Also called: Ataxia with Oculomotor Apraxia; ATAXIA-OCULOMOTOR APRAXIA 2; Ataxia-ocular apraxia-2; Ataxia with Oculomotor Apraxia Type 2. Identifiers: Orphanet 64753, MedGen C1853761, MONDO:0018996, OMIM 606002.

Allele frequency attached by ClinVar (database versions not stated): gnomAD exomes 0.00002 and 0.00003; ExAC 0.00003; TOPMed 0.00003; gnomAD 0.00004.
gnomAD v4.1: 54 of 1,612,886 alleles (0.0033%); highest among the groups gnomAD compares: Non-Finnish European, 0.0045%; no homozygotes.

Submissions (3):

Labcorp Genetics (formerly Invitae), Labcorp
Classification: Likely benign for Amyotrophic lateral sclerosis type 4; Spinocerebellar ataxia, autosomal recessive, with axonal neuropathy 2. Last evaluated: 2025-04-22. Review status: criteria provided, single submitter. Criteria: Invitae Variant Classification Sherloc (09022015). Collection method: clinical testing. Allele origin: germline.

CeGaT Center for Human Genetics Tuebingen
Classification: Likely benign. Last evaluated: 2022-04-01. Review status: criteria provided, single submitter. Criteria: CeGaT Center For Human Genetics Tuebingen Variant Classification Criteria Version 2. Collection method: clinical testing. Allele origin: germline. Affected: yes. Observed: 1 variant allele.
Comment: SETX: BP4, BP7

Blueprint Genetics
Classification: Likely benign. Last evaluated: 2021-09-19. Review status: criteria provided, single submitter. Criteria: ACMG Guidelines, 2015. Collection method: clinical testing. Allele origin: germline.